The following is an entry in ClinVar:

ClinVar aggregate classification (germline): Uncertain significance (1 of 4 stars; one submission).

Conditions:
Aicardi-Goutieres syndrome 6 (AGS6). Identifiers: Orphanet 51, MedGen C3539013, MONDO:0014007, OMIM 615010.
Symmetrical dyschromatosis of extremities (DSH). Also called: RETICULATE ACROPIGMENTATION OF DOHI; SYMMETRIC DYSCHROMATOSIS OF THE EXTREMITIES; Dyschromatosis symmetrica hereditaria; DYSCHROMATOSIS SYMMETRICA HEREDITARIA 1. Identifiers: Orphanet 41, MedGen C0406775, MONDO:0007483, OMIM 127400.

Submission:

Labcorp Genetics (formerly Invitae), Labcorp
Classification: Uncertain significance for Aicardi-Goutieres syndrome 6; Symmetrical dyschromatosis of extremities. Last evaluated: 2022-10-03. Review status: criteria provided, single submitter. Criteria: Invitae Variant Classification Sherloc (09022015). Collection method: clinical testing. Allele origin: germline.
Comment: In summary, the available evidence is currently insufficient to determine the role of this variant in disease. Therefore, it has been classified as a Variant of Uncertain Significance. Algorithms developed to predict the effect of missense changes on protein structure and function output the following: SIFT: "Deleterious"; PolyPhen-2: "Benign"; Align-GVGD: "Class C0". The isoleucine amino acid residue is found in multiple mammalian species, which suggests that this missense change does not adversely affect protein function. This variant has not been reported in the literature in individuals affected with ADAR-related conditions. This variant is not present in population databases (gnomAD no frequency). This sequence change replaces threonine, which is neutral and polar, with isoleucine, which is neutral and non-polar, at codon 284 of the ADAR protein (p.Thr284Ile).

NM_001111.5(ADAR):c.851C>T (p.Thr284Ile)

Gene: ADAR (adenosine deaminase RNA specific; minus strand). Cytogenetic location: 1q21.3.
Variant type: single nucleotide variant.
Coding change: c.851C>T on transcript NM_001111.5 (MANE Select); coding-DNA position 851, C replaced by T.
Protein change: p.Thr284Ile; replaces threonine 284 with isoleucine.
Molecular consequence: missense variant. On other transcripts: 5 prime UTR variant (6).
Genome position (GRCh38, 1-based): chr1:154,601,791, G>A on the plus strand (C>T on the coding strand, the complement: ADAR is on the minus strand). VCF-style: chr1-154601791-G-A. GRCh37 (hg19) VCF-style: chr1-154574267-G-A.
Other names: c.-35C>T (NM_001025107.3, NM_001193495.2, NM_001365046.1 and 3 more transcripts); c.878C>T, p.Thr293Ile (NM_001365045.1); c.851C>T, p.Thr284Ile (NM_015840.4, NM_015841.4); short protein forms T284I, T293I.
Identifiers: ClinVar variation 1720920 (VCV001720920.5), dbSNP rs2526657800, ClinGen allele CA342599710.